The following is an entry in ClinVar:

NM_001235.5(SERPINH1):c.954+262T>A

Gene: SERPINH1 (serpin family H member 1; plus strand). Cytogenetic location: 11q13.5.
Variant type: single nucleotide variant.
Coding change: c.954+262T>A on transcript NM_001235.5 (MANE Select); 262 bases into the intron after coding-DNA position 954, T replaced by A.
Molecular consequence: intron variant.
Genome position (GRCh38, 1-based): chr11:75,569,433, T>A. VCF-style: chr11-75569433-T-A. GRCh37 (hg19) VCF-style: chr11-75280478-T-A.
Other names: c.954+262T>A (NM_001207014.3).
Identifiers: ClinVar variation 667596 (VCV000667596.2), dbSNP rs606984, ClinGen allele CA13464581.
Genomic context (GRCh38, chr11:75,569,433, plus strand): 5'-AACGGAACATTCCTGTATGCTAGGCGTTCTTCTAAGCACTTTATATGTATTATTATTATT[T>A]TTTTTTTGAGATGGAGTCTCACTCTGTTGCCCAGGCTGGAGTGCAATGGTGCCATCTCGA-3'

ClinVar aggregate classification (germline): Benign. Review status: criteria provided, multiple submitters, no conflicts (2 of 4 stars). 2 submissions from 2 submitters: Benign (2). Last evaluated 2018-06-19.

Allele frequency attached by ClinVar (database versions not stated): 1000 Genomes Project 0.29073; 1000 Genomes Project 30x 0.29403; TOPMed 0.41892; gnomAD 0.42676 and 0.43481; gnomAD exomes 0.46678.

Submissions (2):

GeneDx
Classification: Benign. Last evaluated: 2018-06-19. Review status: criteria provided, single submitter. Criteria: GeneDx Variant Classification (06012015). Collection method: clinical testing. Allele origin: germline. Affected: yes.
Comment: This variant is considered likely benign or benign based on one or more of the following criteria: it is a conservative change, it occurs at a poorly conserved position in the protein, it is predicted to be benign by multiple in silico algorithms, and/or has population frequency not consistent with disease.

Breakthrough Genomics
Classification: Benign. Review status: criteria provided, single submitter. Criteria: ACMG Guidelines, 2015. Collection method: not provided. Allele origin: germline. Inheritance: Multifactorial inheritance. Affected: yes.